The following is an entry in ClinVar:

ClinVar aggregate classification (germline): Pathogenic. Review status: reviewed by expert panel (3 of 4 stars). 10 submissions from 10 submitters: Pathogenic (1). 9 of the submissions do not count toward it. Last evaluated 2016-09-08.

Conditions:
Hereditary cancer-predisposing syndrome. Also called: Tumor predisposition; Neoplastic Syndromes, Hereditary; Hereditary Cancer Syndrome; Hereditary neoplastic syndrome. Identifiers: Orphanet 140162, MedGen C0027672, MeSH D009386, MONDO:0015356.
Hereditary breast ovarian cancer syndrome. Also called: Hereditary breast and ovarian cancer syndrome (HBOC); Hereditary breast and ovarian cancer syndrome; Hereditary breast and ovarian cancer; Hereditary breast and/or ovarian cancer syndrome; Breast and ovarian cancer; BRCA1- and BRCA2-Associated Hereditary Breast and Ovarian Cancer. Identifiers: Orphanet 145, MedGen C0677776, MeSH D061325, MONDO:0003582. Disease mechanism: loss of function.
Breast-ovarian cancer, familial, susceptibility to, 1 (BROVCA1). Also called: OVARIAN CANCER, SUSCEPTIBILITY TO; BRCA1 Hereditary Breast and Ovarian Cancer. Identifiers: Orphanet 145, MedGen C2676676, MONDO:0011450, OMIM 604370. Disease mechanism: loss of function.
Familial cancer of breast. Also called: Hereditary breast cancer; hereditary breast carcinoma; BREAST CANCER, FAMILIAL. Identifiers: Orphanet 227535, MedGen C0346153, MONDO:0016419, OMIM 114480. Disease mechanism: loss of function.

Submissions (10):

Evidence-based Network for the Interpretation of Germline Mutant Alleles (ENIGMA)
Classification: Pathogenic for Breast-ovarian cancer, familial, susceptibility to, 1. Last evaluated: 2016-09-08. Review status: reviewed by expert panel. Criteria: ENIGMA BRCA1/2 Classification Criteria (2015). Collection method: curation. Allele origin: germline.
Comment: Variant allele predicted to encode a truncated non-functional protein.

Women's Health and Genetics/Laboratory Corporation of America, LabCorp
Classification: Pathogenic for Hereditary breast ovarian cancer syndrome. Last evaluated: 2025-10-30. Review status: criteria provided, single submitter. Criteria: LabCorp Variant Classification Summary - May 2015. Collection method: clinical testing. Allele origin: germline. Not counted in ClinVar's aggregate classification.
Comment: Variant summary: BRCA1 c.4251_4252delGT (p.Leu1418ArgfsX9) results in a premature termination codon, predicted to cause a truncation of the encoded protein or absence of the protein due to nonsense mediated decay, which are commonly known mechanisms for disease. The variant was absent in 251432 control chromosomes. c.4251_4252delGT has been observed in multiple individuals affected with Hereditary Breast And Ovarian Cancer Syndrome (example: Rebbeck_2018). These data indicate that the variant is very likely to be associated with disease. The following publication has been ascertained in the context of this evaluation (PMID: 29446198). ClinVar contains an entry for this variant (Variation ID: 37579). Based on the evidence outlined above, the variant was classified as pathogenic.

Labcorp Genetics (formerly Invitae), Labcorp
Classification: Pathogenic for Hereditary breast ovarian cancer syndrome. Last evaluated: 2025-07-22. Review status: criteria provided, single submitter. Criteria: Invitae Variant Classification Sherloc (09022015). Collection method: clinical testing. Allele origin: germline. Not counted in ClinVar's aggregate classification.
Comment: This sequence change creates a premature translational stop signal (p.Leu1418Argfs*9) in the BRCA1 gene. It is expected to result in an absent or disrupted protein product. Loss-of-function variants in BRCA1 are known to be pathogenic (PMID: 20104584). This variant is not present in population databases (gnomAD no frequency). This premature translational stop signal has been observed in individual(s) with breast cancer (PMID: 20104584). This variant is also known as 4370delGT. For these reasons, this variant has been classified as Pathogenic.

GeneDx
Classification: Pathogenic. Last evaluated: 2025-03-27. Review status: criteria provided, single submitter. Criteria: GeneDx Variant Classification Process June 2021. Collection method: clinical testing. Allele origin: germline. Affected: yes. Not counted in ClinVar's aggregate classification.
Comment: Truncating variants in this gene are considered pathogenic by a well-established clinical consortium and/or database; Frameshift variant predicted to result in protein truncation or nonsense mediated decay in a gene for which loss of function is a known mechanism of disease; Not observed at significant frequency in large population cohorts (gnomAD); Also known as 4370_4371del; This variant is associated with the following publications: (PMID: 9150149, 20104584, 28152038, 31853058)

Ambry Genetics
Classification: Pathogenic for Hereditary cancer-predisposing syndrome. Last evaluated: 2023-04-13. Review status: criteria provided, single submitter. Criteria: Ambry Variant Classification Scheme 2023. Collection method: clinical testing. Allele origin: germline. Not counted in ClinVar's aggregate classification.
Comment: The c.4251_4252delGT pathogenic mutation, located in coding exon 11 of the BRCA1 gene, results from a deletion of two nucleotides at nucleotide positions 4251 to 4252, causing a translational frameshift with a predicted alternate stop codon (p.L1418Rfs*9). In addition to the clinical data presented in the literature, this alteration is expected to result in loss of function by premature protein truncation or nonsense-mediated mRNA decay. As such, this alteration is interpreted as a disease-causing mutation.

Color Diagnostics, LLC DBA Color Health
Classification: Pathogenic for Hereditary cancer-predisposing syndrome. Last evaluated: 2021-01-08. Review status: criteria provided, single submitter. Criteria: ACMG Guidelines, 2015. Collection method: clinical testing. Allele origin: germline. Not counted in ClinVar's aggregate classification.
Comment: This variant deletes 2 nucleotides in exon 12 of the BRCA1 gene, creating a frameshift and premature translation stop signal. This variant is expected to result in an absent or non-functional protein product. To our knowledge, functional studies have not been reported for this variant. This variant has been reported in individuals and families affected with breast and ovarian cancer (PMID: 9150149, 20104584, 22762150, 28715532; UMD database). This variant has not been identified in the general population by the Genome Aggregation Database (gnomAD). Loss of BRCA1 function is a known mechanism of disease. Based on the available evidence, this variant is classified as Pathogenic.

Consortium of Investigators of Modifiers of BRCA1/2 (CIMBA), c/o University of Cambridge
Classification: Pathogenic for Breast-ovarian cancer, familial, susceptibility to, 1. Last evaluated: 2015-10-02. Review status: criteria provided, single submitter. Criteria: CIMBA Mutation Classification guidelines May 2016. Collection method: clinical testing. Allele origin: germline. Not counted in ClinVar's aggregate classification.

Sharing Clinical Reports Project (SCRP)
Classification: Pathogenic for Breast-ovarian cancer, familial 1. Last evaluated: 2011-10-18. Review status: no assertion criteria provided. Collection method: clinical testing. Allele origin: germline. Not counted in ClinVar's aggregate classification.

Bioscientia Institut fuer Medizinische Diagnostik GmbH, Sonic Healthcare
Classification: Pathogenic for Familial cancer of breast. Review status: no assertion criteria provided. Collection method: clinical testing. Allele origin: germline. Affected: yes. Not counted in ClinVar's aggregate classification.

Breast Cancer Information Core (BIC) (BRCA1)
Classification: Pathogenic for Breast-ovarian cancer, familial 1. Review status: no assertion criteria provided. Collection method: clinical testing. Allele origin: germline. Affected: yes. Observed: 1 variant allele. Not counted in ClinVar's aggregate classification.

Literature cited by the submitters: PubMed 29446198 (cited by Women's Health and Genetics/Laboratory Corporation of America, LabCorp); PubMed 20104584 (cited by Labcorp Genetics (formerly Invitae), Labcorp and Ambry Genetics).

NM_007294.4(BRCA1):c.4251_4252del (p.Leu1418fs)

Gene: BRCA1 (BRCA1 DNA repair associated; minus strand). Cytogenetic location: 17q21.31.
Variant type: Microsatellite.
Coding change: c.4251_4252del on transcript NM_007294.4 (MANE Select); coding-DNA positions 4251 to 4252, 2 bases deleted (GT; older notation c.4251_4252delGT).
Protein change: p.Leu1418fs; shifts the reading frame from leucine 1418.
Molecular consequence: frameshift variant. On other transcripts: non-coding transcript variant (1).
Genome position (GRCh38, 1-based): chr17:43,082,509-43,082,510, AC deleted on the plus strand (GT on the coding strand, the reverse complement: BRCA1 is on the minus strand); deleting any 2 consecutive bases within chr17:43,082,509-43,082,513 gives the same sequence; the c. name uses the placement nearest the transcript's 3' end. VCF-style (leftmost placement, unchanged base first): chr17-43082508-AAC-A. GRCh37 (hg19) VCF-style: chr17-41234525-AAC-A.
Other names: 4370delGT; c.4251_4252delGT (NM_007294.3); c.675_676TG[1], p.Leu227Argfs (NM_001408498.1, NM_001408499.1, NM_001408500.1 and 3 more transcripts); c.606_607TG[1], p.Leu204Argfs (NM_001408502.1); c.672_673TG[1], p.Leu226Argfs (NM_001408503.1, NM_001408504.1, NM_001408505.1); c.612_613TG[1], p.Leu206Argfs (NM_001408506.1); c.609_610TG[1], p.Leu205Argfs (NM_001408507.1); c.600_601TG[1], p.Leu202Argfs (NM_001408508.1, NM_001408509.1); and 56 more; short protein forms L1418fs, L315fs, L1371fs.
Identifiers: ClinVar variation 37579 (VCV000037579.19), dbSNP rs80357977, ClinGen allele CA002731.